The following is an entry in ClinVar:

NM_001267550.2(TTN):c.16709C>T (p.Thr5570Ile)

Gene: TTN (titin; minus strand). Cytogenetic location: 2q31.2.
Variant type: single nucleotide variant.
Coding change: c.16709C>T on transcript NM_001267550.2 (MANE Select); coding-DNA position 16709, C replaced by T.
Protein change: p.Thr5570Ile; replaces threonine 5570 with isoleucine.
Molecular consequence: missense variant. On other transcripts: intron variant (3).
Genome position (GRCh38, 1-based): chr2:178,732,260, G>A on the plus strand (C>T on the coding strand, the complement: TTN is on the minus strand). VCF-style: chr2-178732260-G-A. GRCh37 (hg19) VCF-style: chr2-179596987-G-A.
Other names: c.15758C>T, p.Thr5253Ile (NM_001256850.1); c.12977C>T, p.Thr4326Ile (NM_133378.4); c.13282+5822C>T (NM_003319.4); c.13858+5822C>T (NM_133437.4); c.13657+5822C>T (NM_133432.3); short protein forms T4326I, T5570I, T5253I.
Identifiers: ClinVar variation 332925 (VCV000332925.12), dbSNP rs535319438, ClinGen allele CA2001988.
Genomic context (GRCh38, chr2:178,732,260, plus strand): 5'-TGTTTGCTGCTCTCCTTAATTTCTCTATCATTTGCAAACCATGTTATTTTAATTGGAGGG[G>A]TACCAGTTACTTTGCAGGCTAGCTGGGTGGCATCTCCCTTCTTTAACAGCTGTGATGGCT-3'
Protein context (NP_001254479.2, residues 5560-5580): ATQLACKVTG[Thr5570Ile]PPIKITWFAN

ClinVar aggregate classification (germline): Uncertain significance. Review status: criteria provided, multiple submitters, no conflicts (2 of 4 stars). 5 submissions from 5 submitters: Uncertain significance (5). Last evaluated 2026-07-01.

Conditions:
Autosomal recessive limb-girdle muscular dystrophy type 2J (LGMDR10). Also called: Limb-girdle muscular dystrophy, type 2J; MUSCULAR DYSTROPHY, LIMB-GIRDLE, AUTOSOMAL RECESSIVE 10. Identifiers: Orphanet 140922, MedGen C1837342, MONDO:0012127, OMIM 608807.
Dilated cardiomyopathy 1G (CMD1G). Identifiers: Orphanet 154, MedGen C1858763, MONDO:0011400, OMIM 604145.
Cardiomyopathy (CMYO). Also called: Cardiomyopathies. Identifiers: Orphanet 167848, MedGen C0878544, MONDO:0004994, HP:0001638. Inheritance: Various modes of inheritance.

Allele frequency attached by ClinVar (database versions not stated): gnomAD 0.00001 and 0.00002; TOPMed 0.00006; ExAC 0.00009; 1000 Genomes Project 30x 0.00031; 1000 Genomes Project 0.00040.
gnomAD v4.1: 56 of 1,613,754 alleles (0.0035%); highest among the groups gnomAD compares: East Asian, 0.049%; no homozygotes.

Submissions (5):

CeGaT Center for Human Genetics Tuebingen
Classification: Uncertain significance. Last evaluated: 2026-07-01. Review status: criteria provided, single submitter. Criteria: CeGaT Center For Human Genetics Tuebingen Variant Classification Criteria Version 2. Collection method: clinical testing. Allele origin: germline. Affected: yes. Observed: 1 variant allele.
Comment: TTN: PM2, BP4

Revvity Omics, Revvity
Classification: Uncertain significance. Last evaluated: 2023-11-17. Review status: criteria provided, single submitter. Criteria: ACMG Guidelines, 2015. Collection method: clinical testing. Allele origin: germline.

Labcorp Genetics (formerly Invitae), Labcorp
Classification: Uncertain significance for Dilated cardiomyopathy 1G; Autosomal recessive limb-girdle muscular dystrophy type 2J. Last evaluated: 2016-12-03. Review status: criteria provided, single submitter. Criteria: Invitae Variant Classification Sherloc (09022015). Collection method: clinical testing. Allele origin: germline.

CHEO Genetics Diagnostic Laboratory, Children's Hospital of Eastern Ontario
Classification: Uncertain significance for Cardiomyopathy. Last evaluated: 2016-01-25. Review status: criteria provided, single submitter. Criteria: ACMG Guidelines, 2015. Collection method: clinical testing. Allele origin: germline. Study: Canadian Open Genetics Repository.

Breakthrough Genomics
Classification: Uncertain significance. Review status: criteria provided, single submitter. Criteria: ACMG Guidelines, 2015. Collection method: not provided. Allele origin: germline. Inheritance: Autosomal recessive inheritance. Affected: yes.